The following is an entry in ClinVar:

ClinVar aggregate classification (germline): Uncertain significance (1 of 4 stars; one submission).

Submission:

GeneDx
Classification: Uncertain significance. Last evaluated: 2014-09-04. Review status: criteria provided, single submitter. Criteria: GeneDx Variant Classification (06012015). Collection method: clinical testing. Allele origin: germline. Affected: yes.
Comment: p.Gly1169Val (GGC>GTC): c.3506 G>T in exon 29 of the FBN1 gene (NM_000138.4) A variant of unknown significance has been identified in the FBN1 gene. The G1169V variant has not been published as a mutation, nor has it been reported as a benign polymorphism to our knowledge. The G1169V variant was not observed in approximately 6,500 individuals of European and African American ancestry in the NHLBI Exome Sequencing Project, indicating it is not a common benign variant in these populations. This substitution occurs at a position that is conserved across species. In silico analysis predicts this variant is probably damaging to the protein structure/function. Missense mutations in nearby residues (C1166Y, N1168S, R1170H, C1171R) have been reported in association with Marfan syndrome, supporting the functional importance of this region of the protein. However, the G1169V variant is a conservative amino acid substitution, which is not likely to impact secondary protein structure as these residues share similar properties. Therefore, based on the currently available information, it is unclear whether this variant is a pathogenic mutation or a rare benign variant.The variant is found in TAAD panel(s).

NM_000138.5(FBN1):c.3506G>T (p.Gly1169Val)

Gene: FBN1 (fibrillin 1; minus strand). Cytogenetic location: 15q21.1.
Variant type: single nucleotide variant.
Coding change: c.3506G>T on transcript NM_000138.5 (MANE Select); coding-DNA position 3506, G replaced by T.
Protein change: p.Gly1169Val; replaces glycine 1169 with valine.
Molecular consequence: missense variant.
Genome position (GRCh38, 1-based): chr15:48,487,158, C>A on the plus strand (G>T on the coding strand, the complement: FBN1 is on the minus strand). VCF-style: chr15-48487158-C-A. GRCh37 (hg19) VCF-style: chr15-48779355-C-A.
Other names: p.G1169V:GGC>GTC; short protein forms G1169V.
Identifiers: ClinVar variation 200183 (VCV000200183.2), dbSNP rs794728330, ClinGen allele CA014204.